The following is an entry in ClinVar:

NM_002541.4(OGDH):c.2444C>T (p.Ala815Val)

Gene: OGDH (oxoglutarate dehydrogenase; plus strand). Cytogenetic location: 7p13.
Variant type: single nucleotide variant.
Coding change: c.2444C>T on transcript NM_002541.4 (MANE Select); coding-DNA position 2444, C replaced by T.
Protein change: p.Ala815Val; replaces alanine 815 with valine.
Molecular consequence: missense variant.
Genome position (GRCh38, 1-based): chr7:44,700,154, C>T. VCF-style: chr7-44700154-C-T. GRCh37 (hg19) VCF-style: chr7-44739753-C-T.
Other names: c.2432C>T, p.Ala811Val (NM_001165036.2); c.2477C>T, p.Ala826Val (NM_001363523.2); short protein forms A811V, A815V, A826V.
Identifiers: ClinVar variation 2414607 (VCV002414607.9), dbSNP rs763894480, ClinGen allele CA4244109.

ClinVar aggregate classification (germline): Uncertain significance (1 of 4 stars; one submission).

Conditions:
Oxoglutaricaciduria. Identifiers: Orphanet 31, MedGen C2752074, MONDO:0008759, OMIM 203740.

Allele frequency attached by ClinVar (database versions not stated): gnomAD exomes below 0.00001; TOPMed below 0.00001; ExAC 0.00001.
gnomAD v4.1: 2 of 1,614,150 alleles (0.00012%); highest among the groups gnomAD compares: Non-Finnish European, 0.00017%; no homozygotes.

Submission:

Labcorp Genetics (formerly Invitae), Labcorp
Classification: Uncertain significance for Oxoglutaricaciduria. Last evaluated: 2022-07-11. Review status: criteria provided, single submitter. Criteria: Invitae Variant Classification Sherloc (09022015). Collection method: clinical testing. Allele origin: germline.
Comment: This sequence change replaces alanine, which is neutral and non-polar, with valine, which is neutral and non-polar, at codon 815 of the OGDH protein (p.Ala815Val). In summary, the available evidence is currently insufficient to determine the role of this variant in disease. Therefore, it has been classified as a Variant of Uncertain Significance. Algorithms developed to predict the effect of missense changes on protein structure and function (SIFT, PolyPhen-2, Align-GVGD) all suggest that this variant is likely to be tolerated. This variant has not been reported in the literature in individuals affected with OGDH-related conditions. This variant is present in population databases (rs763894480, gnomAD 0.0009%).